The following is an entry in ClinVar:

NM_001458.5(FLNC):c.4431G>A (p.Leu1477=)

Gene: FLNC (filamin C; plus strand). Cytogenetic location: 7q32.1.
Variant type: single nucleotide variant.
Coding change: c.4431G>A on transcript NM_001458.5 (MANE Select); coding-DNA position 4431, G replaced by A.
Protein change: p.Leu1477=; no amino-acid change (leucine 1477 retained).
Molecular consequence: synonymous variant.
Genome position (GRCh38, 1-based): chr7:128,847,839, G>A. VCF-style: chr7-128847839-G-A. GRCh37 (hg19) VCF-style: chr7-128487893-G-A.
Other names: p.Leu1477=; c.4431G>A, p.Leu1477= (NM_001127487.2).
Identifiers: ClinVar variation 129090 (VCV000129090.32), dbSNP rs2291568, ClinGen allele CA152862.

ClinVar aggregate classification (germline): Benign. Review status: criteria provided, multiple submitters, no conflicts (2 of 4 stars). 14 submissions from 14 submitters: Benign (12). 2 of the submissions do not count toward it. Last evaluated 2026-02-04.

Conditions:
Distal myopathy with posterior leg and anterior hand involvement. Also called: WILLIAMS DISTAL MYOPATHY. Identifiers: Orphanet 63273, MedGen C3279722, MONDO:0013550, OMIM 614065.
Myofibrillar myopathy 5. Also called: Filaminopathy (type); FILAMINOPATHY, AUTOSOMAL DOMINANT. Identifiers: Orphanet 171445, MedGen C1836050, MONDO:0012289, OMIM 609524.
Hypertrophic cardiomyopathy 26. Also called: Cardiomyopathy, familial hypertrophic, 26. Identifiers: Orphanet 75249, MedGen C4310749, MONDO:0014883, OMIM 617047.
Cardiovascular phenotype. Identifiers: MedGen CN230736.

Allele frequency attached by ClinVar (database versions not stated): gnomAD exomes 0.06709 and 0.11730; ExAC 0.12297; ESP Exome Variant Server 0.14177; TOPMed 0.17171; 1000 Genomes Project 0.25779; 1000 Genomes Project 30x 0.25874; gnomAD 0.15512 and 0.15631.

Submissions (14):

Labcorp Genetics (formerly Invitae), Labcorp
Classification: Benign for Distal myopathy with posterior leg and anterior hand involvement; Myofibrillar myopathy 5; Hypertrophic cardiomyopathy 26. Last evaluated: 2026-02-04. Review status: criteria provided, single submitter. Criteria: Invitae Variant Classification Sherloc (09022015). Collection method: clinical testing. Allele origin: germline.

Molecular Diagnostic Laboratory for Inherited Cardiovascular Disease, Montreal Heart Institute
Classification: Benign. Last evaluated: 2025-04-09. Review status: criteria provided, single submitter. Criteria: ACMG Guidelines, 2015. Collection method: clinical testing. Allele origin: germline. Affected: no.

Women's Health and Genetics/Laboratory Corporation of America, LabCorp
Classification: Benign. Last evaluated: 2023-04-10. Review status: criteria provided, single submitter. Criteria: LabCorp Variant Classification Summary - May 2015. Collection method: clinical testing. Allele origin: germline.

Mayo Clinic Laboratories, Mayo Clinic
Classification: Benign. Last evaluated: 2022-04-26. Review status: criteria provided, single submitter. Criteria: ACMG Guidelines, 2015. Collection method: clinical testing. Allele origin: germline. Observed: 308 variant alleles.

Ambry Genetics
Classification: Benign for Cardiovascular phenotype. Last evaluated: 2018-12-24. Review status: criteria provided, single submitter. Criteria: Ambry Variant Classification Scheme 2023. Collection method: clinical testing. Allele origin: germline.

Athena Diagnostics
Classification: Benign. Last evaluated: 2017-12-21. Review status: criteria provided, single submitter. Criteria: Athena Diagnostics Criteria. Collection method: clinical testing. Allele origin: germline.

Eurofins Ntd Llc (ga)
Classification: Benign. Last evaluated: 2016-03-01. Review status: criteria provided, single submitter. Criteria: EGL Classification Definitions 2015. Collection method: clinical testing. Allele origin: germline. Observed: 10 variant alleles, 7 heterozygotes, 3 homozygotes.

GeneDx
Classification: Benign. Last evaluated: 2016-02-12. Review status: criteria provided, single submitter. Criteria: GeneDx Variant Classification (06012015). Collection method: clinical testing. Allele origin: germline. Affected: yes.
Comment: This variant is considered likely benign or benign based on one or more of the following criteria: it is a conservative change, it occurs at a poorly conserved position in the protein, it is predicted to be benign by multiple in silico algorithms, and/or has population frequency not consistent with disease.

Laboratory for Molecular Medicine, Mass General Brigham Personalized Medicine
Classification: Benign. Last evaluated: 2015-01-13. Review status: criteria provided, single submitter. Criteria: LMM Criteria. Collection method: clinical testing. Allele origin: germline. Observed: 4 variant alleles.
Comment: p.Leu1477Leu in exon 25 of FLNC: This variant is not expected to have clinical s ignificance because it does not alter an amino acid residue and is not located w ithin the splice consensus sequence. It has been identified in 35.4% (1352/3822) of African American chromosomes from a broad population by the NHLBI Exome Sequ encing Project (dbSNP rs2291568).

Genetic Services Laboratory, University of Chicago
Classification: Benign for AllHighlyPenetrant. Last evaluated: 2013-08-15. Review status: criteria provided, single submitter. Criteria: ACMG Guidelines, 2007. Collection method: clinical testing. Allele origin: germline. Inheritance: Autosomal dominant inheritance.

Breakthrough Genomics
Classification: Benign. Review status: criteria provided, single submitter. Criteria: ACMG Guidelines, 2015. Collection method: not provided. Allele origin: germline. Inheritance: Autosomal dominant inheritance. Affected: yes.

PreventionGenetics, part of Exact Sciences
Classification: Benign. Review status: criteria provided, single submitter. Criteria: ACMG Guidelines, 2015. Collection method: clinical testing. Allele origin: germline.

Clinical Genetics, Academic Medical Center
Classification: Benign. Review status: no assertion criteria provided. Collection method: clinical testing. Allele origin: germline. Affected: yes. Study: VKGL Data-share Consensus. Not counted in ClinVar's aggregate classification.

Joint Genome Diagnostic Labs from Nijmegen and Maastricht, Radboudumc and MUMC+
Classification: Benign. Review status: no assertion criteria provided. Collection method: clinical testing. Allele origin: germline. Affected: yes. Study: VKGL Data-share Consensus. Not counted in ClinVar's aggregate classification.